The following is an entry in ClinVar:

NM_003002.4(SDHD):c.50G>A (p.Arg17Gln)

Genes: SDHD (succinate dehydrogenase complex subunit D; plus strand), LOC126861339 (BRD4-independent group 4 enhancer GRCh37_chr11:111957035-111958234; plus strand). Cytogenetic location: 11q23.1.
Variant type: single nucleotide variant.
Coding change: c.50G>A on transcript NM_003002.4 (MANE Select); coding-DNA position 50, G replaced by A.
Protein change: p.Arg17Gln; replaces arginine 17 with glutamine.
Molecular consequence: missense variant. On other transcripts: non-coding transcript variant (1).
Genome position (GRCh38, 1-based): chr11:112,086,957, G>A. VCF-style: chr11-112086957-G-A. GRCh37 (hg19) VCF-style: chr11-111957681-G-A.
Other names: c.50G>A, p.Arg17Gln (NM_001276503.2, NM_001276504.2, NM_001276506.2); c.50G>A (NM_003002.2); short protein forms R17Q.
Identifiers: ClinVar variation 1052437 (VCV001052437.11), dbSNP rs1865621723, ClinGen allele CA382616761.

ClinVar aggregate classification (germline): Uncertain significance. Review status: criteria provided, multiple submitters, no conflicts (2 of 4 stars). 2 submissions from 2 submitters: Uncertain significance (2). Last evaluated 2026-07-07.

Conditions:
Carney-Stratakis syndrome. Also called: PARAGANGLIOMA AND GASTROINTESTINAL STROMAL TUMOR. Identifiers: Orphanet 97286, MedGen C1847319, MONDO:0011740, OMIM 606864.
Pheochromocytoma. Also called: MAX-Related Hereditary Paraganglioma-Pheochromocytoma Syndrome. Identifiers: Orphanet 29072, MedGen C0031511, MONDO:0008233, OMIM 171300, HP:0002666.
Cowden syndrome 3 (CWS3). Identifiers: Orphanet 201, MedGen CN166604, MONDO:0014045.
Paragangliomas with sensorineural hearing loss. Identifiers: MedGen C1868633.
Hereditary cancer-predisposing syndrome. Also called: Tumor predisposition; Hereditary Cancer Syndrome; Hereditary neoplastic syndrome; Neoplastic Syndromes, Hereditary. Identifiers: Orphanet 140162, MedGen C0027672, MeSH D009386, MONDO:0015356.

gnomAD v4.1: 1 of 1,614,168 alleles (0.000062%); no homozygotes.

Submissions (2):

Ambry Genetics
Classification: Uncertain significance for Hereditary cancer-predisposing syndrome. Last evaluated: 2026-07-07. Review status: criteria provided, single submitter. Criteria: Ambry Variant Classification Scheme 2023. Collection method: clinical testing. Allele origin: germline.
Comment: The p.R17Q variant (also known as c.50G>A), located in coding exon 1 of the SDHD gene, results from a G to A substitution at nucleotide position 50. The arginine at codon 17 is replaced by glutamine, an amino acid with highly similar properties. This amino acid position is conserved. In addition, this alteration is predicted to be deleterious by in silico analysis. Based on the available evidence, the clinical significance of this variant remains unclear.

Labcorp Genetics (formerly Invitae), Labcorp
Classification: Uncertain significance for Carney-Stratakis syndrome; Paragangliomas with sensorineural hearing loss; Pheochromocytoma; Cowden syndrome 3. Last evaluated: 2021-03-09. Review status: criteria provided, single submitter. Criteria: Invitae Variant Classification Sherloc (09022015). Collection method: clinical testing. Allele origin: germline.
Comment: This sequence change replaces arginine with glutamine at codon 17 of the SDHD protein (p.Arg17Gln). The arginine residue is moderately conserved and there is a small physicochemical difference between arginine and glutamine. This variant is not present in population databases (ExAC no frequency). This variant has not been reported in the literature in individuals with SDHD-related conditions. Algorithms developed to predict the effect of missense changes on protein structure and function (SIFT, PolyPhen-2, Align-GVGD) all suggest that this variant is likely to be tolerated, but these predictions have not been confirmed by published functional studies and their clinical significance is uncertain. In summary, the available evidence is currently insufficient to determine the role of this variant in disease. Therefore, it has been classified as a Variant of Uncertain Significance.